The following is an entry in ClinVar:

NM_000051.4(ATM):c.7599del (p.Gly2534fs)

Genes: ATM (ATM serine/threonine kinase; plus strand), C11orf65 (chromosome 11 open reading frame 65; minus strand). Cytogenetic location: 11q22.3.
Variant type: Deletion.
Coding change: c.7599del on transcript NM_000051.4 (MANE Select); coding-DNA position 7599, one base deleted (A; older notation c.7599delA).
Protein change: p.Gly2534fs; shifts the reading frame from glycine 2534.
Molecular consequence: frameshift variant. On other transcripts: non-coding transcript variant (1), intron variant (2).
Genome position (GRCh38, 1-based): chr11:108,331,527, A deleted. VCF-style (leftmost placement, unchanged base first): chr11-108331526-GA-G. GRCh37 (hg19) VCF-style: chr11-108202253-GA-G.
Other names: c.7599del, p.Gly2534fs (NM_001351834.2); c.641-22456del (NM_001330368.2); c.*38+3693del (NM_001351110.2); short protein forms G2534fs.
Identifiers: ClinVar variation 1447880 (VCV001447880.6), dbSNP rs2136497216, ClinGen allele CA2573146727.

ClinVar aggregate classification (germline): Pathogenic (1 of 4 stars; one submission).

Conditions:
Ataxia-telangiectasia syndrome (AT). Also called: Ataxia-telangiectasia; LOUIS-BAR SYNDROME; Ataxia-telangiectasia, complementation group D; AT, COMPLEMENTATION GROUP C; ATAXIA-TELANGIECTASIA, COMPLEMENTATION GROUP A; ATAXIA-TELANGIECTASIA, FRESNO VARIANT. Identifiers: Orphanet 100, MedGen C0004135, MONDO:0008840, OMIM 208900.

Submission:

Labcorp Genetics (formerly Invitae), Labcorp
Classification: Pathogenic for Ataxia-telangiectasia syndrome. Last evaluated: 2022-03-26. Review status: criteria provided, single submitter. Criteria: Invitae Variant Classification Sherloc (09022015). Collection method: clinical testing. Allele origin: germline.
Comment: For these reasons, this variant has been classified as Pathogenic. This variant has not been reported in the literature in individuals affected with ATM-related conditions. This variant is not present in population databases (gnomAD no frequency). This sequence change creates a premature translational stop signal (p.Gly2534Alafs*2) in the ATM gene. It is expected to result in an absent or disrupted protein product. Loss-of-function variants in ATM are known to be pathogenic (PMID: 23807571, 25614872).

Literature cited by the submitters: PubMed 23807571; PubMed 25614872.